The following is an entry in ClinVar:

NM_000435.3(NOTCH3):c.2793-4C>G

Gene: NOTCH3 (notch receptor 3; minus strand). Cytogenetic location: 19p13.12.
Variant type: single nucleotide variant.
Coding change: c.2793-4C>G on transcript NM_000435.3 (MANE Select); 4 bases into the intron before coding-DNA position 2793, C replaced by G.
Molecular consequence: intron variant.
Genome position (GRCh38, 1-based): chr19:15,181,166, G>C on the plus strand (C>G on the coding strand, the complement: NOTCH3 is on the minus strand). VCF-style: chr19-15181166-G-C. GRCh37 (hg19) VCF-style: chr19-15291977-G-C.
Identifiers: ClinVar variation 2581448 (VCV002581448.1), dbSNP rs2512646608, ClinGen allele CA2582342945.

ClinVar aggregate classification (germline): Uncertain significance (1 of 4 stars; one submission).

Submission:

Women's Health and Genetics/Laboratory Corporation of America, LabCorp
Classification: Uncertain significance. Last evaluated: 2023-08-30. Review status: criteria provided, single submitter. Criteria: LabCorp Variant Classification Summary - May 2015. Collection method: clinical testing. Allele origin: germline.
Comment: Variant summary: NOTCH3 c.2793-4C>G alters a non-conserved nucleotide located close to a canonical splice site and therefore could affect mRNA splicing, leading to a significantly altered protein sequence. Consensus agreement among computation tools predict no significant impact on normal splicing. However, these predictions have yet to be confirmed by functional studies. The variant was absent in 236520 control chromosomes. The available data on variant occurrences in the general population are insufficient to allow any conclusion about variant significance. To our knowledge, no occurrence of c.2793-4C>G in individuals affected with NOTCH3-Related Disorders and no experimental evidence demonstrating its impact on protein function have been reported. No submitters have cited clinical-significance assessments for this variant to ClinVar after 2014. Based on the evidence outlined above, the variant was classified as uncertain significance.